The following is an entry in ClinVar:

NM_032578.4(MYPN):c.3159-3T>C

Gene: MYPN (myopalladin; plus strand). Cytogenetic location: 10q21.3.
Variant type: single nucleotide variant.
Coding change: c.3159-3T>C on transcript NM_032578.4 (MANE Select); 3 bases into the intron before coding-DNA position 3159, T replaced by C.
Molecular consequence: intron variant.
Genome position (GRCh38, 1-based): chr10:68,197,349, T>C. VCF-style: chr10-68197349-T-C. GRCh37 (hg19) VCF-style: chr10-69957106-T-C.
Other names: c.3159-3T>C (NM_001256267.2, NM_032578.3); c.2277-3T>C (NM_001256268.2).
Identifiers: ClinVar variation 1008541 (VCV001008541.8), dbSNP rs778831883, ClinGen allele CA5522977.

ClinVar aggregate classification (germline): Uncertain significance. Review status: criteria provided, multiple submitters, no conflicts (2 of 4 stars). 3 submissions from 3 submitters: Uncertain significance (3). Last evaluated 2026-09-10.

Conditions:
MYPN-related disorder. Also called: MYPN-related condition.
Cardiovascular phenotype. Identifiers: MedGen CN230736.
Dilated cardiomyopathy 1KK (CMD1KK). Identifiers: Orphanet 154, Orphanet 75249, MedGen C3714995, MONDO:0014100, OMIM 615248.

Allele frequency attached by ClinVar (database versions not stated): gnomAD 0.00001; gnomAD exomes 0.00001 and 0.00002; ExAC 0.00002; TOPMed 0.00002.
gnomAD v4.1: 22 of 1,613,068 alleles (0.0014%); highest among the groups gnomAD compares: Admixed American, 0.0017%; no homozygotes.

Submissions (3):

PreventionGenetics, part of Exact Sciences
Classification: Uncertain significance for MYPN-related condition. Last evaluated: 2026-09-10. Review status: criteria provided, single submitter. Criteria: ACMG Guidelines, 2015. Collection method: clinical testing. Allele origin: germline.
Comment: The MYPN c.3159-3T>C variant is predicted to interfere with splicing. To our knowledge, this variant has not been reported in the literature. This variant is reported in 0.0040% of alleles in individuals of African descent in gnomAD. At this time, the clinical significance of this variant is uncertain due to the absence of conclusive functional and genetic evidence.

Ambry Genetics
Classification: Uncertain significance for Cardiovascular phenotype. Last evaluated: 2022-05-02. Review status: criteria provided, single submitter. Criteria: Ambry Variant Classification Scheme 2023. Collection method: clinical testing. Allele origin: germline.
Comment: The c.3159-3T>C intronic variant results from a T to C substitution 3 nucleotides upstream from coding exon 15 in the MYPN gene. This nucleotide position is poorly conserved in available vertebrate species. In silico splice site analysis predicts that this alteration will not have any significant effect on splicing. Since supporting evidence is limited at this time, the clinical significance of this alteration remains unclear.

Labcorp Genetics (formerly Invitae), Labcorp
Classification: Uncertain significance for Dilated cardiomyopathy 1KK. Last evaluated: 2021-02-21. Review status: criteria provided, single submitter. Criteria: Invitae Variant Classification Sherloc (09022015). Collection method: clinical testing. Allele origin: germline.
Comment: This sequence change falls in intron 15 of the MYPN gene. It does not directly change the encoded amino acid sequence of the MYPN protein, but it affects a nucleotide within the consensus splice site of the intron. This variant is present in population databases (rs778831883, ExAC 0.003%). This variant has not been reported in the literature in individuals with MYPN-related conditions. Nucleotide substitutions within the consensus splice site are a relatively common cause of aberrant splicing (PMID: 17576681, 9536098). In summary, the available evidence is currently insufficient to determine the role of this variant in disease. Therefore, it has been classified as a Variant of Uncertain Significance.

Literature cited by the submitters: PubMed 17576681 (cited by Labcorp Genetics (formerly Invitae), Labcorp); PubMed 9536098 (cited by Labcorp Genetics (formerly Invitae), Labcorp).